The following is an entry in ClinVar:

NM_002528.7(NTHL1):c.877C>T (p.Leu293Phe)

Gene: NTHL1 (nth like DNA glycosylase 1; minus strand). Cytogenetic location: 16p13.3.
Variant type: single nucleotide variant.
Coding change: c.877C>T on transcript NM_002528.7 (MANE Select); coding-DNA position 877, C replaced by T.
Protein change: p.Leu293Phe; replaces leucine 293 with phenylalanine.
Molecular consequence: missense variant.
Genome position (GRCh38, 1-based): chr16:2,039,962, G>A on the plus strand (C>T on the coding strand, the complement: NTHL1 is on the minus strand). VCF-style: chr16-2039962-G-A. GRCh37 (hg19) VCF-style: chr16-2089963-G-A.
Other names: c.706C>T, p.Leu236Phe (NM_001318193.2); c.547C>T, p.Leu183Phe (NM_001318194.2); c.901C>T (NM_002528.6); short protein forms L236F, L293F, L183F.
Identifiers: ClinVar variation 1042949 (VCV001042949.11), dbSNP rs200420874, ClinGen allele CA7828073.

ClinVar aggregate classification (germline): Uncertain significance. Review status: criteria provided, multiple submitters, no conflicts (2 of 4 stars). 4 submissions from 4 submitters: Uncertain significance (4). Last evaluated 2026-02-03.

Conditions:
NTHL1-related disorder. Also called: NTHL1-related conditions; NTHL1-related condition.
Hereditary cancer-predisposing syndrome. Also called: Tumor predisposition; Hereditary neoplastic syndrome; Neoplastic Syndromes, Hereditary; Hereditary Cancer Syndrome. Identifiers: Orphanet 140162, MedGen C0027672, MeSH D009386, MONDO:0015356.

Allele frequency attached by ClinVar (database versions not stated): TOPMed 0.00001.
gnomAD v4.1: 4 of 1,607,362 alleles (0.00025%); highest among the groups gnomAD compares: African/African-American, 0.0053%; no homozygotes.

Submissions (4):

Labcorp Genetics (formerly Invitae), Labcorp
Classification: Uncertain significance. Last evaluated: 2026-02-03. Review status: criteria provided, single submitter. Criteria: Invitae Variant Classification Sherloc (09022015). Collection method: clinical testing. Allele origin: germline.
Comment: This sequence change replaces leucine, which is neutral and non-polar, with phenylalanine, which is neutral and non-polar, at codon 301 of the NTHL1 protein (p.Leu301Phe). The frequency data for this variant in the population databases is considered unreliable, as metrics indicate poor data quality at this position in the gnomAD database. This variant has not been reported in the literature in individuals affected with NTHL1-related conditions. ClinVar contains an entry for this variant (Variation ID: 1042949). An algorithm developed to predict the effect of missense changes on protein structure and function (PolyPhen-2) suggests that this variant is likely to be tolerated. In summary, the available evidence is currently insufficient to determine the role of this variant in disease. Therefore, it has been classified as a Variant of Uncertain Significance.

Ambry Genetics
Classification: Uncertain significance for Hereditary cancer-predisposing syndrome. Last evaluated: 2025-07-19. Review status: criteria provided, single submitter. Criteria: Ambry Variant Classification Scheme 2023. Collection method: clinical testing. Allele origin: germline.
Comment: The p.L301F variant (also known as c.901C>T), located in coding exon 6 of the NTHL1 gene, results from a C to T substitution at nucleotide position 901. The leucine at codon 301 is replaced by phenylalanine, an amino acid with highly similar properties. This amino acid position is highly conserved in available vertebrate species. In addition, the in silico prediction for this alteration is inconclusive. Since supporting evidence is limited at this time, the clinical significance of this alteration remains unclear.

PreventionGenetics, part of Exact Sciences
Classification: Uncertain significance for NTHL1-related condition. Last evaluated: 2025-06-01. Review status: criteria provided, single submitter. Criteria: ACMG Guidelines, 2015. Collection method: clinical testing. Allele origin: germline.
Comment: The NTHL1 c.901C>T variant is predicted to result in the amino acid substitution p.Leu301Phe. To our knowledge, this variant has not been reported in the literature. This variant is reported in 0.0064% of alleles in individuals of African descent in gnomAD and is classified as a variant of uncertain significance in ClinVar. At this time, the clinical significance of this variant is uncertain due to the absence of conclusive functional and genetic evidence.

Quest Diagnostics Nichols Institute San Juan Capistrano
Classification: Uncertain significance. Last evaluated: 2024-07-03. Review status: criteria provided, single submitter. Criteria: Quest Diagnostics criteria. Collection method: clinical testing. Allele origin: unknown.
Comment: The NTHL1 c.901C>T (p.Leu301Phe) variant has not been reported in individuals with NTHL1-related conditions in the published literature. The frequency of this variant in the general population, 0.0000041 (1/243490 chromosomes (Genome Aggregation Database)), is uninformative in the assessment of its pathogenicity. Analysis of this variant using bioinformatics tools for the prediction of the effect of amino acid changes on protein structure and function yielded conflicting predictions that this variant is deleterious or benign. Based on the available information, we are unable to determine the clinical significance of this variant.